The following is an entry in ClinVar:

NM_004006.3(DMD):c.8668+1G>A

Gene: DMD (dystrophin; minus strand). Cytogenetic location: Xp21.2.
Variant type: single nucleotide variant.
Coding change: c.8668+1G>A on transcript NM_004006.3 (MANE Select); the canonical splice donor site of the intron after coding-DNA position 8668, G replaced by A.
Molecular consequence: splice donor variant.
Genome position (GRCh38, 1-based): chrX:31,478,982, C>T on the plus strand (G>A on the coding strand, the complement: DMD is on the minus strand). VCF-style: chrX-31478982-C-T. GRCh37 (hg19) VCF-style: chrX-31497099-C-T.
Other names: 5' splice site; c.8644+1G>A (NM_000109.4); c.4645+1G>A (NM_004011.4); c.4636+1G>A (NM_004012.4); c.1288+1G>A (NM_004023.3, NM_004020.4, NM_004022.3 and 2 more transcripts); c.481+1G>A (NM_004014.3); c.8656+1G>A (NM_004009.3); c.8299+1G>A (NM_004010.3).
Identifiers: ClinVar variation 1322653 (VCV001322653.7), dbSNP rs2149256957, ClinGen allele CA412654423.
Genomic context (GRCh38, chrX:31,478,982, plus strand): 5'-GGCTGCTCCGTCACCACTGATCCTTCTATCAATATGTTATTATAGTTCCACATTCAATTA[C>T]CTCTGGGCTCCTGGTAGAGTTTCTCTAGTCCTTCCAAAGGCTGCTCTGTCAGAAATATTC-3'

ClinVar aggregate classification (germline): Pathogenic. Review status: criteria provided, multiple submitters, no conflicts (2 of 4 stars). 2 submissions from 2 submitters: Pathogenic (2). Last evaluated 2021-12-29.

Conditions:
Becker muscular dystrophy (BMD). Also called: MUSCULAR DYSTROPHY, PSEUDOHYPERTROPHIC PROGRESSIVE, BECKER TYPE; Becker Muscular Dystrophy (BMD). Identifiers: Orphanet 98895, MedGen C0917713, MONDO:0010311, OMIM 300376.

Submissions (2):

Foundation for Research in Genetics and Endocrinology, FRIGE's Institute of Human Genetics
Classification: Pathogenic for Becker muscular dystrophy. Last evaluated: 2021-12-29. Review status: criteria provided, single submitter. Criteria: ACMG Guidelines, 2015. Collection method: clinical testing. Allele origin: germline. Inheritance: X-linked recessive inheritance. Affected: yes. Observed: 1 hemizygote.
Comment: A hemizygous 5' splice site variation in intron 58 of the DMD gene that affects the invariant GT donor splice site of exon 58 was detected. The observed variant c.8668+1G>A (5' splice site) has not been reported in the 1000 genomes and gnomAD databases. The in-silico prediction of the variant is damaging by MutationTaster2. The reference codon is conserved across species. This variant has previously been reported in a patient with Duchenne muscular dystrophy.

Revvity Omics, Revvity
Classification: Pathogenic. Last evaluated: 2020-10-29. Review status: criteria provided, single submitter. Criteria: ACMG Guidelines, 2015. Collection method: clinical testing. Allele origin: germline.